The following is an entry in ClinVar:

ClinVar aggregate classification (germline): Uncertain significance. Review status: criteria provided, multiple submitters, no conflicts (2 of 4 stars). 2 submissions from 2 submitters: Uncertain significance (2). Last evaluated 2025-12-08.

Allele frequency attached by ClinVar (database versions not stated): gnomAD exomes 0.00003; gnomAD 0.00004; TOPMed 0.00004; ExAC 0.00005.
gnomAD v4.1: 173 of 1,609,826 alleles (0.011%); highest among the groups gnomAD compares: Non-Finnish European, 0.014%; no homozygotes.

Submissions (2):

Labcorp Genetics (formerly Invitae), Labcorp
Classification: Uncertain significance. Last evaluated: 2025-12-08. Review status: criteria provided, single submitter. Criteria: Invitae Variant Classification Sherloc (09022015). Collection method: clinical testing. Allele origin: germline.
Comment: This sequence change replaces glutamine, which is neutral and polar, with histidine, which is basic and polar, at codon 890 of the A2ML1 protein (p.Gln890His). This variant is present in population databases (rs767309974, gnomAD 0.006%). This variant has not been reported in the literature in individuals affected with A2ML1-related conditions. ClinVar contains an entry for this variant (Variation ID: 664960). An algorithm developed to predict the effect of missense changes on protein structure and function (PolyPhen-2) suggests that this variant is likely to be tolerated. In summary, the available evidence is currently insufficient to determine the role of this variant in disease. Therefore, it has been classified as a Variant of Uncertain Significance.

Ambry Genetics
Classification: Uncertain significance. Last evaluated: 2025-06-07. Review status: criteria provided, single submitter. Criteria: Ambry Variant Classification Scheme 2023. Collection method: clinical testing. Allele origin: germline.

NM_144670.6(A2ML1):c.2670A>T (p.Gln890His)

Gene: A2ML1 (alpha-2-macroglobulin like 1; plus strand). Cytogenetic location: 12p13.31.
Variant type: single nucleotide variant.
Coding change: c.2670A>T on transcript NM_144670.6 (MANE Select); coding-DNA position 2670, A replaced by T.
Protein change: p.Gln890His; replaces glutamine 890 with histidine.
Molecular consequence: missense variant.
Genome position (GRCh38, 1-based): chr12:8,854,207, A>T. VCF-style: chr12-8854207-A-T. GRCh37 (hg19) VCF-style: chr12-9006803-A-T.
Other names: c.1197A>T, p.Gln399His (NM_001282424.3); short protein forms Q890H, Q399H.
Identifiers: ClinVar variation 664960 (VCV000664960.10), dbSNP rs767309974, ClinGen allele CA6436087.